The following is an entry in ClinVar:

ClinVar aggregate classification (germline): Uncertain significance (1 of 4 stars; one submission).

Submission:

Labcorp Genetics (formerly Invitae), Labcorp
Classification: Uncertain significance. Last evaluated: 2022-10-25. Review status: criteria provided, single submitter. Criteria: Invitae Variant Classification Sherloc (09022015). Collection method: clinical testing. Allele origin: germline.
Comment: In summary, the available evidence is currently insufficient to determine the role of this variant in disease. Therefore, it has been classified as a Variant of Uncertain Significance. Advanced modeling of protein sequence and biophysical properties (such as structural, functional, and spatial information, amino acid conservation, physicochemical variation, residue mobility, and thermodynamic stability) performed at Invitae indicates that this missense variant is not expected to disrupt CYP11B2 protein function. This variant has not been reported in the literature in individuals affected with CYP11B2-related conditions. This variant is not present in population databases (gnomAD no frequency). This sequence change replaces leucine, which is neutral and non-polar, with proline, which is neutral and non-polar, at codon 327 of the CYP11B2 protein (p.Leu327Pro).

NM_000498.3(CYP11B2):c.980T>C (p.Leu327Pro)

Genes: CYP11B2 (cytochrome P450 family 11 subfamily B member 2; minus strand), LOC106799834 (CYP11B2 recombination region; plus strand). Cytogenetic location: 8q24.3.
Variant type: single nucleotide variant.
Coding change: c.980T>C on transcript NM_000498.3 (MANE Select); coding-DNA position 980, T replaced by C.
Protein change: p.Leu327Pro; replaces leucine 327 with proline.
Molecular consequence: missense variant.
Genome position (GRCh38, 1-based): chr8:142,913,426, A>G on the plus strand (T>C on the coding strand, the complement: CYP11B2 is on the minus strand). VCF-style: chr8-142913426-A-G. GRCh37 (hg19) VCF-style: chr8-143994842-A-G.
Other names: short protein forms L327P.
Identifiers: ClinVar variation 2984333 (VCV002984333.3), dbSNP rs1451628163, ClinGen allele CA372388052.